The following is an entry in ClinVar:

NM_000152.5(GAA):c.1460T>C (p.Phe487Ser)

Gene: GAA (alpha glucosidase; plus strand). Cytogenetic location: 17q25.3.
Variant type: single nucleotide variant.
Coding change: c.1460T>C on transcript NM_000152.5 (MANE Select); coding-DNA position 1460, T replaced by C.
Protein change: p.Phe487Ser; replaces phenylalanine 487 with serine.
Molecular consequence: missense variant.
Genome position (GRCh38, 1-based): chr17:80,110,749, T>C. VCF-style: chr17-80110749-T-C. GRCh37 (hg19) VCF-style: chr17-78084548-T-C.
Other names: c.1460T>C, p.Phe487Ser (NM_001079803.3, NM_001079804.3, NM_001406741.1 and 1 more transcripts); short protein forms F487S.
Identifiers: ClinVar variation 4876496 (VCV004876496.1).
Genomic context (GRCh38, chr17:80,110,749, plus strand): 5'-GGGGCCGGGTCTCCCCACTGCAGCCTCTCGTTGTCCAGGTATGGCCCGGGTCCACTGCCT[T>C]CCCCGACTTCACCAACCCCACAGCCCTGGCCTGGTGGGAGGACATGGTGGCTGAGTTCCA-3'
Protein context (NP_000143.2, residues 477-497): IGKVWPGSTA[Phe487Ser]PDFTNPTALA

ClinVar aggregate classification (germline): Likely pathogenic (1 of 4 stars; one submission).

Conditions:
Glycogen storage disease, type II (IOPD). Also called: Pompe Disease; CARDIOMEGALIA GLYCOGENICA DIFFUSA; GLYCOGENOSIS, GENERALIZED, CARDIAC FORM; GSD II; POMPE DISEASE, INFANTILE-ONSET; GLYCOGEN STORAGE DISEASE II, INFANTILE-ONSET. Identifiers: Orphanet 365, MedGen C0017921, MONDO:0009290, OMIM 232300.

Submission:

Genomenon, Inc
Classification: Likely pathogenic for Glycogen storage disease, type II. Last evaluated: 2026-07-01. Review status: criteria provided, single submitter. Criteria: Genomenon Sequence Variant Interpretation Standards - Updated. Collection method: curation. Allele origin: germline. Affected: yes.
Comment: GAA p.Phe487Ser (c.1460T>C) is a missense variant that changes the amino acid at codon 487 from Phenylalanine to Serine. This variant has been observed in at least one proband with a GAA-related disorder in the compound heterozygous and/or homozygous state (PMID:33162552). At least one functional study has demonstrated a substantial alteration in protein function relative to the wild-type (PMID:18425781). It is absent or not present at a significant frequency in gnomAD. In silico models predict that this variant is possibly or probably damaging. In conclusion, we classify GAA p.Phe487Ser (c.1460T>C) as a likely pathogenic variant.

Literature cited by the submitters: PubMed 33162552; PubMed 18425781.